The following is an entry in ClinVar:

NM_001167.4(XIAP):c.239T>C (p.Val80Ala)

Gene: XIAP (X-linked inhibitor of apoptosis; plus strand). Cytogenetic location: Xq25.
Variant type: single nucleotide variant.
Coding change: c.239T>C on transcript NM_001167.4 (MANE Select); coding-DNA position 239, T replaced by C.
Protein change: p.Val80Ala; replaces valine 80 with alanine.
Molecular consequence: missense variant.
Genome position (GRCh38, 1-based): chrX:123,885,901, T>C. VCF-style: chrX-123885901-T-C. GRCh37 (hg19) VCF-style: chrX-123019751-T-C.
Other names: c.239T>C, p.Val80Ala (NM_001204401.2, NM_001378590.1, NM_001378591.1 and 1 more transcripts); short protein forms V80A.
Identifiers: ClinVar variation 4771369 (VCV004771369.1).
Genomic context (GRCh38, chrX:123,885,901, plus strand): 5'-CCGTGCGGTGCTTTAGTTGTCATGCAGCTGTAGATAGATGGCAATATGGAGACTCAGCAG[T>C]TGGAAGACACAGGAAAGTATCCCCAAATTGCAGATTTATCAACGGCTTTTATCTTGAAAA-3'
Protein context (NP_001158.2, residues 70-90): VDRWQYGDSA[Val80Ala]GRHRKVSPNC

ClinVar aggregate classification (germline): Uncertain significance (1 of 4 stars; one submission).

Conditions:
X-linked lymphoproliferative disease due to XIAP deficiency. Also called: XIAP-Related Lymphoproliferative Disease, X-Linked; XIAP DEFICIENCY. Identifiers: Orphanet 2442, Orphanet 538934, MedGen C1845076, MONDO:0010385, OMIM 300635.

gnomAD v4.1: 2 of 1,211,737 alleles (0.00017%); highest among the groups gnomAD compares: Non-Finnish European, 0.00022%; no homozygotes.

Submission:

Labcorp Genetics (formerly Invitae), Labcorp
Classification: Uncertain significance for X-linked lymphoproliferative disease due to XIAP deficiency. Last evaluated: 2025-12-23. Review status: criteria provided, single submitter. Criteria: Invitae Variant Classification Sherloc (09022015). Collection method: clinical testing. Allele origin: germline.
Comment: This sequence change replaces valine, which is neutral and non-polar, with alanine, which is neutral and non-polar, at codon 80 of the XIAP protein (p.Val80Ala). This variant is not present in population databases (gnomAD no frequency). This variant has not been reported in the literature in individuals affected with XIAP-related conditions. Invitae Evidence Modeling of protein sequence and biophysical properties (such as structural, functional, and spatial information, amino acid conservation, physicochemical variation, residue mobility, and thermodynamic stability) indicates that this missense variant is not expected to disrupt XIAP protein function with a negative predictive value of 80%. In summary, the available evidence is currently insufficient to determine the role of this variant in disease. Therefore, it has been classified as a Variant of Uncertain Significance.